The following is an entry in ClinVar:

ClinVar aggregate classification (germline): Uncertain significance. Review status: criteria provided, multiple submitters, no conflicts (2 of 4 stars). 2 submissions from 2 submitters: Uncertain significance (2). Last evaluated 2026-06-09.

Conditions:
Inborn genetic diseases. Identifiers: MedGen C0950123, MeSH D030342.
Fanconi anemia (FA). Also called: Fanconi's anemia. Identifiers: Orphanet 84, MedGen C0015625, MeSH D005199, MONDO:0019391.

Submissions (2):

Ambry Genetics
Classification: Uncertain significance for Inborn genetic diseases. Last evaluated: 2026-06-09. Review status: criteria provided, single submitter. Criteria: Ambry Variant Classification Scheme 2023. Collection method: clinical testing. Allele origin: germline.
Comment: The p.A129G variant (also known as c.386C>G), located in coding exon 4 of the FANCA gene, results from a C to G substitution at nucleotide position 386. The alanine at codon 129 is replaced by glycine, an amino acid with similar properties. This amino acid position is conserved. In addition, this alteration is predicted to be tolerated by in silico analysis. Based on the available evidence, the clinical significance of this variant remains unclear.

Labcorp Genetics (formerly Invitae), Labcorp
Classification: Uncertain significance for Fanconi anemia. Last evaluated: 2024-01-24. Review status: criteria provided, single submitter. Criteria: Invitae Variant Classification Sherloc (09022015). Collection method: clinical testing. Allele origin: germline.
Comment: This sequence change replaces alanine, which is neutral and non-polar, with glycine, which is neutral and non-polar, at codon 129 of the FANCA protein (p.Ala129Gly). This variant is not present in population databases (gnomAD no frequency). This variant has not been reported in the literature in individuals affected with FANCA-related conditions. Advanced modeling of protein sequence and biophysical properties (such as structural, functional, and spatial information, amino acid conservation, physicochemical variation, residue mobility, and thermodynamic stability) performed at Invitae indicates that this missense variant is not expected to disrupt FANCA protein function with a negative predictive value of 95%. In summary, the available evidence is currently insufficient to determine the role of this variant in disease. Therefore, it has been classified as a Variant of Uncertain Significance.

NM_000135.4(FANCA):c.386C>G (p.Ala129Gly)

Gene: FANCA (FA complementation group A; minus strand). Cytogenetic location: 16q24.3.
Variant type: single nucleotide variant.
Coding change: c.386C>G on transcript NM_000135.4 (MANE Select); coding-DNA position 386, C replaced by G.
Protein change: p.Ala129Gly; replaces alanine 129 with glycine.
Molecular consequence: missense variant.
Genome position (GRCh38, 1-based): chr16:89,810,969, G>C on the plus strand (C>G on the coding strand, the complement: FANCA is on the minus strand). VCF-style: chr16-89810969-G-C. GRCh37 (hg19) VCF-style: chr16-89877377-G-C.
Other names: c.386C>G, p.Ala129Gly (NM_001018112.3, NM_001286167.3, NM_001351830.2); short protein forms A129G.
Identifiers: ClinVar variation 2892550 (VCV002892550.4), dbSNP rs577625130, ClinGen allele CA397480930.